The following is an entry in ClinVar:

ClinVar aggregate classification (germline): Likely benign. Review status: criteria provided, multiple submitters, no conflicts (2 of 4 stars). 2 submissions from 2 submitters: Likely benign (2). Last evaluated 2024-09-01.

Allele frequency attached by ClinVar (database versions not stated): gnomAD 0.00002; gnomAD exomes 0.00003.

Submissions (2):

CeGaT Center for Human Genetics Tuebingen
Classification: Likely benign. Last evaluated: 2024-09-01. Review status: criteria provided, single submitter. Criteria: CeGaT Center For Human Genetics Tuebingen Variant Classification Criteria Version 2. Collection method: clinical testing. Allele origin: germline. Affected: yes. Observed: 2 variant alleles.
Comment: CDH15: BP4, BP7

Blueprint Genetics
Classification: Likely benign. Last evaluated: 2024-03-13. Review status: criteria provided, single submitter. Criteria: ACMG Guidelines, 2015. Collection method: clinical testing. Allele origin: germline.

NM_004933.3(CDH15):c.642G>A (p.Val214=)

Gene: CDH15 (cadherin 15; plus strand). Cytogenetic location: 16q24.3.
Variant type: single nucleotide variant.
Coding change: c.642G>A on transcript NM_004933.3 (MANE Select); coding-DNA position 642, G replaced by A.
Protein change: p.Val214=; no amino-acid change (valine 214 retained).
Molecular consequence: synonymous variant.
Genome position (GRCh38, 1-based): chr16:89,185,312, G>A. VCF-style: chr16-89185312-G-A. GRCh37 (hg19) VCF-style: chr16-89251720-G-A.
Identifiers: ClinVar variation 3024883 (VCV003024883.23), dbSNP rs1016078350, ClinGen allele CA286493811.